The following is an entry in ClinVar:

NM_000169.3(GLA):c.1244T>C (p.Leu415Pro)

Genes: GLA (galactosidase alpha; minus strand), RPL36A-HNRNPH2 (RPL36A-HNRNPH2 readthrough; plus strand). Cytogenetic location: Xq22.1.
Variant type: single nucleotide variant.
Coding change: c.1244T>C on transcript NM_000169.3 (MANE Select); coding-DNA position 1244, T replaced by C.
Protein change: p.Leu415Pro; replaces leucine 415 with proline.
Molecular consequence: missense variant. On other transcripts: non-coding transcript variant (3), intron variant (2).
Genome position (GRCh38, 1-based): chrX:101,397,855, A>G on the plus strand (T>C on the coding strand, the complement: GLA is on the minus strand). VCF-style: chrX-101397855-A-G. GRCh37 (hg19) VCF-style: chrX-100652843-A-G.
Other names: c.1367T>C, p.Leu456Pro (NM_001406747.1); c.300+2398A>G (NM_001199973.2); c.177+6033A>G (NM_001199974.2); short protein forms L415P, L456P.
Identifiers: ClinVar variation 222172 (VCV000222172.4), dbSNP rs112341092, ClinGen allele CA352271.
Genomic context (GRCh38, chrX:101,397,855, plus strand): 5'-ATAAAATAAACATTTTAAAGTAAGTCTTTTAATGACATCTGCATTGTATTTTCTAGCTGA[A>G]GCAAAACAGTGCCTGTGGGATTTATGTGACTTCTTAACCTTGAAGTCCATTCATAGAACC-3'
Protein context (NP_000160.1, residues 405-425): SHINPTGTVL[Leu415Pro]QLENTMQMSL

ClinVar aggregate classification (germline): Pathogenic. Review status: criteria provided, multiple submitters, no conflicts (2 of 4 stars). 2 submissions from 2 submitters: Pathogenic (2). Last evaluated 2026-09-08.

Conditions:
Fabry disease. Also called: GLA DEFICIENCY; HEREDITARY DYSTOPIC LIPIDOSIS; Fabry's disease; Angiokeratoma corporis diffusum; Ceramide trihexosidosis; ALPHA-GALACTOSIDASE A DEFICIENCY. Identifiers: Orphanet 324, MedGen C0002986, MONDO:0010526, OMIM 301500, HP:0001071. Disease mechanism: loss of function, Fabry disease is due to inactivating mutations in the X-linked GLA gene resulting in deficiency of the enzyme Alpha Galactosidase-A..

Submissions (2):

Genomenon, Inc
Classification: Pathogenic for Fabry disease. Last evaluated: 2026-09-08. Review status: criteria provided, single submitter. Criteria: Genomenon Sequence Variant Interpretation Standards - Updated. Collection method: curation. Allele origin: germline. Affected: yes.
Comment: GLA p.Leu415Pro (c.1244T>C) is a missense variant that changes the amino acid at codon 415 from Leucine to Proline. This variant has been observed in at least one proband with clinical features consistent with Fabry disease (PMID:28649509;28507907;16630168;24850233;25817890;21804088;28643672;29950951;33906135). The variant was found to segregate with disease in at least one affected family (PMID:28649509;28507907;16630168;24850233;25817890). At least one functional study has demonstrated a substantial alteration in protein function relative to the wild-type (PMID:32023956;21598360;27657681;23935525). It is absent or not present at a significant frequency in gnomAD. In silico models predict that this variant is possibly or probably damaging. In conclusion, we classify GLA p.Leu415Pro (c.1244T>C) as a pathogenic variant.

Women's Health and Genetics/Laboratory Corporation of America, LabCorp
Classification: Pathogenic for Fabry disease. Last evaluated: 2020-09-03. Review status: criteria provided, single submitter. Criteria: LabCorp Variant Classification Summary - May 2015. Collection method: clinical testing. Allele origin: germline.
Comment: Variant summary: GLA c.1244T>C (p.Leu415Pro) results in a non-conservative amino acid change in the encoded protein sequence. Five of five in-silico tools predict a damaging effect of the variant on protein function. The variant was absent in 183414 control chromosomes (gnomAD). c.1244T>C has been reported in the literature in multiple individuals and families affected with classic Fabry Disease (e.g. Larralde_2004, Shin_2008, Wu_2011, Germain_2012, Thurberg_2012, Wilcox_2012, Rozenfeld_2015, Thurberg_2017, Sakuraba_2018). These data indicate that the variant is very likely to be associated with disease. Publications also reported experimental evidence evaluating an impact on protein function, and demonstrated significantly reduced GLA activity in both patient derived samples and in in vitro studies, furthermore the enzyme activity was shown to be non-responsive to 1-deoxygalactonojirimycin (DGJ) treatment (e.g. Larralde_2004, Shin_2008, Wu_2011, Germain_2012, Lukas_2013, Lukas_2020). No other clinical diagnostic laboratories have submitted clinical-significance assessments for this variant to ClinVar after 2014. Based on the evidence outlined above, the variant was classified as pathogenic.

Literature cited by the submitters: PubMed 28649509 (cited by Genomenon, Inc and Women's Health and Genetics/Laboratory Corporation of America, LabCorp); PubMed 28507907 (cited by Genomenon, Inc); PubMed 16630168 (cited by Genomenon, Inc); PubMed 24850233 (cited by Genomenon, Inc); PubMed 25817890 (cited by Genomenon, Inc); PubMed 21804088 (cited by Genomenon, Inc); PubMed 28643672 (cited by Genomenon, Inc); PubMed 29950951 (cited by Genomenon, Inc); PubMed 33906135 (cited by Genomenon, Inc); PubMed 32023956 (cited by Genomenon, Inc and Women's Health and Genetics/Laboratory Corporation of America, LabCorp); PubMed 21598360 (cited by Genomenon, Inc and Women's Health and Genetics/Laboratory Corporation of America, LabCorp); PubMed 27657681 (cited by Genomenon, Inc); PubMed 23935525 (cited by Genomenon, Inc and Women's Health and Genetics/Laboratory Corporation of America, LabCorp); PubMed 21092187 (cited by Women's Health and Genetics/Laboratory Corporation of America, LabCorp); PubMed 18698230 (cited by Women's Health and Genetics/Laboratory Corporation of America, LabCorp); PubMed 21138548 (cited by Women's Health and Genetics/Laboratory Corporation of America, LabCorp); PubMed 22078290 (cited by Women's Health and Genetics/Laboratory Corporation of America, LabCorp); PubMed 22227322 (cited by Women's Health and Genetics/Laboratory Corporation of America, LabCorp); PubMed 30386727 (cited by Women's Health and Genetics/Laboratory Corporation of America, LabCorp); PubMed 15611419 (cited by Women's Health and Genetics/Laboratory Corporation of America, LabCorp).